The following is an entry in ClinVar:

NM_006206.6(PDGFRA):c.1501T>C (p.Cys501Arg)

Gene: PDGFRA (platelet derived growth factor receptor alpha; plus strand). Cytogenetic location: 4q12.
Variant type: single nucleotide variant.
Coding change: c.1501T>C on transcript NM_006206.6 (MANE Select); coding-DNA position 1501, T replaced by C.
Protein change: p.Cys501Arg; replaces cysteine 501 with arginine.
Molecular consequence: missense variant.
Genome position (GRCh38, 1-based): chr4:54,273,673, T>C. VCF-style: chr4-54273673-T-C. GRCh37 (hg19) VCF-style: chr4-55139840-T-C.
Other names: c.1501T>C, p.Cys501Arg (NM_001347827.2, NM_001347829.2); c.1576T>C, p.Cys526Arg (NM_001347828.2); c.1540T>C, p.Cys514Arg (NM_001347830.2); short protein forms C526R, C501R, C514R.
Identifiers: ClinVar variation 1774031 (VCV001774031.2), dbSNP rs2110292746, ClinGen allele CA356892693.
Genomic context (GRCh38, chr4:54,273,673, plus strand): 5'-AGGAGTACCGTGGAGGGCCGTGTGACTTTCGCCAAAGTGGAGGAGACCATCGCCGTGCGA[T>C]GCCTGGCTAAGAATCTCCTTGGAGCTGAGAACCGAGAGCTGAAGCTGGTGGCTCCCAGTG-3'
Protein context (NP_006197.1, residues 491-511): AKVEETIAVR[Cys501Arg]LAKNLLGAEN

ClinVar aggregate classification (germline): Uncertain significance (1 of 4 stars; one submission).

Conditions:
Hereditary cancer-predisposing syndrome. Also called: Hereditary Cancer Syndrome; Hereditary neoplastic syndrome; Neoplastic Syndromes, Hereditary; Tumor predisposition. Identifiers: Orphanet 140162, MedGen C0027672, MeSH D009386, MONDO:0015356.

Submission:

Ambry Genetics
Classification: Uncertain significance for Hereditary cancer-predisposing syndrome. Last evaluated: 2022-09-28. Review status: criteria provided, single submitter. Criteria: Ambry Variant Classification Scheme 2023. Collection method: clinical testing. Allele origin: germline.
Comment: The p.C501R variant (also known as c.1501T>C), located in coding exon 9 of the PDGFRA gene, results from a T to C substitution at nucleotide position 1501. The cysteine at codon 501 is replaced by arginine, an amino acid with highly dissimilar properties. This amino acid position is conserved. In addition, this alteration is predicted to be deleterious by in silico analysis. Since supporting evidence is limited at this time, the clinical significance of this alteration remains unclear.